The following is an entry in ClinVar:

ClinVar aggregate classification (germline): Uncertain significance (1 of 4 stars; one submission).

Conditions:
PHGDH deficiency. Identifiers: Orphanet 79351, MedGen C1866174, MONDO:0011152, OMIM 601815.

Allele frequency attached by ClinVar (database versions not stated): gnomAD exomes below 0.00001.
gnomAD v4.1: 1 of 1,614,120 alleles (0.000062%); highest among the groups gnomAD compares: Admixed American, 0.0017%; no homozygotes.

Submission:

Labcorp Genetics (formerly Invitae), Labcorp
Classification: Uncertain significance for PHGDH deficiency. Last evaluated: 2022-08-22. Review status: criteria provided, single submitter. Criteria: Invitae Variant Classification Sherloc (09022015). Collection method: clinical testing. Allele origin: germline.
Comment: This sequence change replaces alanine, which is neutral and non-polar, with valine, which is neutral and non-polar, at codon 318 of the PHGDH protein (p.Ala318Val). This variant is not present in population databases (gnomAD no frequency). This variant has not been reported in the literature in individuals affected with PHGDH-related conditions. ClinVar contains an entry for this variant (Variation ID: 1514387). Algorithms developed to predict the effect of missense changes on protein structure and function (SIFT, PolyPhen-2, Align-GVGD) all suggest that this variant is likely to be tolerated. In summary, the available evidence is currently insufficient to determine the role of this variant in disease. Therefore, it has been classified as a Variant of Uncertain Significance.

NM_006623.4(PHGDH):c.953C>T (p.Ala318Val)

Gene: PHGDH (phosphoglycerate dehydrogenase; plus strand). Cytogenetic location: 1p12.
Variant type: single nucleotide variant.
Coding change: c.953C>T on transcript NM_006623.4 (MANE Select); coding-DNA position 953, C replaced by T.
Protein change: p.Ala318Val; replaces alanine 318 with valine.
Molecular consequence: missense variant.
Genome position (GRCh38, 1-based): chr1:119,740,393, C>T. VCF-style: chr1-119740393-C-T. GRCh37 (hg19) VCF-style: chr1-120283016-C-T.
Other names: short protein forms A318V.
Identifiers: ClinVar variation 1514387 (VCV001514387.3), dbSNP rs1030988421, ClinGen allele CA30262471.